The following is an entry in ClinVar:

ClinVar aggregate classification (germline): Likely benign (1 of 4 stars; one submission).

Allele frequency attached by ClinVar (database versions not stated): 1000 Genomes Project 30x 0.00016; 1000 Genomes Project 0.00020; TOPMed 0.00028; ESP Exome Variant Server 0.00034; gnomAD 0.00038.
gnomAD v4.1: 801 of 1,603,776 alleles (0.05%); highest among the groups gnomAD compares: South Asian, 0.13%; 2 homozygotes.

Submission:

CeGaT Center for Human Genetics Tuebingen
Classification: Likely benign. Last evaluated: 2026-06-01. Review status: criteria provided, single submitter. Criteria: CeGaT Center For Human Genetics Tuebingen Variant Classification Criteria Version 2. Collection method: clinical testing. Allele origin: germline. Affected: yes. Observed: 4 variant alleles.
Comment: VPS50: BP4, BP7

NM_017667.4(VPS50):c.1191C>G (p.Thr397=)

Gene: VPS50 (VPS50 subunit of EARP/GARPII complex; plus strand). Cytogenetic location: 7q21.2.
Variant type: single nucleotide variant.
Coding change: c.1191C>G on transcript NM_017667.4 (MANE Select); coding-DNA position 1191, C replaced by G.
Protein change: p.Thr397=; no amino-acid change (threonine 397 retained).
Molecular consequence: synonymous variant.
Genome position (GRCh38, 1-based): chr7:93,296,765, C>G. VCF-style: chr7-93296765-C-G. GRCh37 (hg19) VCF-style: chr7-92926077-C-G.
Other names: c.1101C>G, p.Thr367= (NM_001257998.2).
Identifiers: ClinVar variation 3067277 (VCV003067277.21), dbSNP rs200434482, ClinGen allele CA4344802.
Genomic context (GRCh38, chr7:93,296,765, plus strand): 5'-TTGGGTTTGCTTGATTTTCTTTTTCTTTGCCTTACAGGATGTTCAGCTAAAAGTAAAAAC[C>G]TACTTGCTTGGAACTGATTTGTCTATATTCAAATATGATGATTTCATCTTTGTTTTGGAT-3'
Protein context (NP_060137.2, residues 387-407): IWQDVQLKVK[Thr397=]YLLGTDLSIF